The following is an entry in ClinVar:

NM_001854.4(COL11A1):c.2552C>T (p.Pro851Leu)

Gene: COL11A1 (collagen type XI alpha 1 chain; minus strand). Cytogenetic location: 1p21.1.
Variant type: single nucleotide variant.
Coding change: c.2552C>T on transcript NM_001854.4 (MANE Select); coding-DNA position 2552, C replaced by T.
Protein change: p.Pro851Leu; replaces proline 851 with leucine.
Molecular consequence: missense variant. On other transcripts: non-coding transcript variant (1).
Genome position (GRCh38, 1-based): chr1:102,984,142, G>A on the plus strand (C>T on the coding strand, the complement: COL11A1 is on the minus strand). VCF-style: chr1-102984142-G-A. GRCh37 (hg19) VCF-style: chr1-103449698-G-A.
Other names: c.2204C>T, p.Pro735Leu (NM_001168249.1, NM_080630.4); c.2435C>T, p.Pro812Leu (NM_001190709.2); c.2588C>T, p.Pro863Leu (NM_080629.3); short protein forms P735L, P851L, P863L, P812L.
Identifiers: ClinVar variation 2873487 (VCV002873487.3), dbSNP rs2525168183, ClinGen allele CA341164899.
Genomic context (GRCh38, chr1:102,984,142, plus strand): 5'-TGATTAATATTATCTTCACGAAATGTTAATAAACTATAAATATCAAGCTGTTTTACCTTT[G>A]GACCTTGTCTTCCTGGATATCCTGGTAATCCTGGAACTCCAAGTTTTCCCTACAGTTAAA-3'
Protein context (NP_001845.3, residues 841-861): GLPGYPGRQG[Pro851Leu]KGSTGFPGFP

ClinVar aggregate classification (germline): Uncertain significance (1 of 4 stars; one submission).

Submission:

Labcorp Genetics (formerly Invitae), Labcorp
Classification: Uncertain significance. Last evaluated: 2023-10-13. Review status: criteria provided, single submitter. Criteria: Invitae Variant Classification Sherloc (09022015). Collection method: clinical testing. Allele origin: germline.
Comment: This sequence change replaces proline, which is neutral and non-polar, with leucine, which is neutral and non-polar, at codon 851 of the COL11A1 protein (p.Pro851Leu). This variant is not present in population databases (gnomAD no frequency). This variant has not been reported in the literature in individuals affected with COL11A1-related conditions. Advanced modeling of protein sequence and biophysical properties (such as structural, functional, and spatial information, amino acid conservation, physicochemical variation, residue mobility, and thermodynamic stability) performed at Invitae indicates that this missense variant is not expected to disrupt COL11A1 protein function. In summary, the available evidence is currently insufficient to determine the role of this variant in disease. Therefore, it has been classified as a Variant of Uncertain Significance.